The following is an entry in ClinVar:

NM_000388.4(CASR):c.205C>G (p.Arg69Gly)

Gene: CASR (calcium sensing receptor; plus strand). Cytogenetic location: 3q21.1.
Variant type: single nucleotide variant.
Coding change: c.205C>G on transcript NM_000388.4 (MANE Select); coding-DNA position 205, C replaced by G.
Protein change: p.Arg69Gly; replaces arginine 69 with glycine.
Molecular consequence: missense variant.
Genome position (GRCh38, 1-based): chr3:122,257,100, C>G. VCF-style: chr3-122257100-C-G. GRCh37 (hg19) VCF-style: chr3-121975947-C-G.
Other names: p.Arg69Gly; c.205C>G, p.Arg69Gly (NM_001178065.2); short protein forms R69G.
Identifiers: ClinVar variation 4540910 (VCV004540910.1).
Genomic context (GRCh38, chr3:122,257,100, plus strand): 5'-TAGAAAGCTTCCCATTTTCTTCCACTTCTTCTTTCTTCCAGGTATAATTTCCGTGGGTTT[C>G]GCTGGTTACAGGCTATGATATTTGCCATAGAGGAGATAAACAGCAGCCCAGCCCTTCTTC-3'
Protein context (NP_000379.3, residues 59-79): ECIRYNFRGF[Arg69Gly]WLQAMIFAIE

ClinVar aggregate classification (germline): Uncertain significance (1 of 4 stars; one submission).

Submission:

Mayo Clinic Laboratories, Mayo Clinic
Classification: Uncertain significance. Last evaluated: 2025-05-15. Review status: criteria provided, single submitter. Criteria: ACMG Guidelines, 2015. Collection method: clinical testing. Allele origin: germline. Observed: 1 variant allele.
Comment: PP3, PM2_supporting